The following is an entry in ClinVar:

NM_130810.4(DNAAF4):c.467C>G (p.Thr156Ser)

Genes: DNAAF4 (dynein axonemal assembly factor 4; minus strand), DNAAF4-CCPG1 (DNAAF4-CCPG1 readthrough (NMD candidate); minus strand). Cytogenetic location: 15q21.3.
Variant type: single nucleotide variant.
Coding change: c.467C>G on transcript NM_130810.4 (MANE Select); coding-DNA position 467, C replaced by G.
Protein change: p.Thr156Ser; replaces threonine 156 with serine.
Molecular consequence: missense variant. On other transcripts: non-coding transcript variant (1).
Genome position (GRCh38, 1-based): chr15:55,467,100, G>C on the plus strand (C>G on the coding strand, the complement: DNAAF4 is on the minus strand). VCF-style: chr15-55467100-G-C. GRCh37 (hg19) VCF-style: chr15-55759298-G-C.
Other names: c.467C>G, p.Thr156Ser (NM_001033559.3, NM_001033560.2); short protein forms T156S.
Identifiers: ClinVar variation 858061 (VCV000858061.8), dbSNP rs111976189, ClinGen allele CA270807812.

ClinVar aggregate classification (germline): Uncertain significance (1 of 4 stars; one submission).

Allele frequency attached by ClinVar (database versions not stated): gnomAD 0.00002 and 0.00004; TOPMed 0.00002.
gnomAD v4.1: 25 of 1,546,098 alleles (0.0016%); highest among the groups gnomAD compares: African/African-American, 0.018%; 1 homozygote.

Submission:

Labcorp Genetics (formerly Invitae), Labcorp
Classification: Uncertain significance. Last evaluated: 2023-08-04. Review status: criteria provided, single submitter. Criteria: Invitae Variant Classification Sherloc (09022015). Collection method: clinical testing. Allele origin: germline.
Comment: Advanced modeling of protein sequence and biophysical properties (such as structural, functional, and spatial information, amino acid conservation, physicochemical variation, residue mobility, and thermodynamic stability) performed at Invitae indicates that this missense variant is not expected to disrupt DNAAF4 protein function. ClinVar contains an entry for this variant (Variation ID: 858061). This variant has not been reported in the literature in individuals affected with DNAAF4-related conditions. This variant is not present in population databases (gnomAD no frequency). This sequence change replaces threonine, which is neutral and polar, with serine, which is neutral and polar, at codon 156 of the DNAAF4 protein (p.Thr156Ser). In summary, the available evidence is currently insufficient to determine the role of this variant in disease. Therefore, it has been classified as a Variant of Uncertain Significance.